The following is an entry in ClinVar:

ClinVar aggregate classification (germline): Uncertain significance (1 of 4 stars; one submission).

Submission:

GeneDx
Classification: Uncertain significance. Last evaluated: 2021-06-25. Review status: criteria provided, single submitter. Criteria: GeneDx Variant Classification Process June 2021. Collection method: clinical testing. Allele origin: germline. Affected: yes.
Comment: Not observed at significant frequency in large population cohorts (Lek et al., 2016); In silico analysis supports that this missense variant has a deleterious effect on protein structure/function; Has not been previously published as pathogenic or benign to our knowledge

NM_000944.5(PPP3CA):c.1194C>A (p.Asn398Lys)

Gene: PPP3CA (protein phosphatase 3 catalytic subunit alpha; minus strand). Cytogenetic location: 4q24.
Variant type: single nucleotide variant.
Coding change: c.1194C>A on transcript NM_000944.5 (MANE Select); coding-DNA position 1194, C replaced by A.
Protein change: p.Asn398Lys; replaces asparagine 398 with lysine.
Molecular consequence: missense variant.
Genome position (GRCh38, 1-based): chr4:101,040,529, G>T on the plus strand (C>A on the coding strand, the complement: PPP3CA is on the minus strand). VCF-style: chr4-101040529-G-T. GRCh37 (hg19) VCF-style: chr4-101961686-G-T.
Other names: c.1194C>A, p.Asn398Lys (NM_001130691.2); c.1068C>A, p.Asn356Lys (NM_001130692.2); short protein forms N356K, N398K.
Identifiers: ClinVar variation 1329566 (VCV001329566.2), dbSNP rs2110210920, ClinGen allele CA357948284.